The following is an entry in ClinVar:

NM_000512.5(GALNS):c.1155C>A (p.Tyr385Ter)

Gene: GALNS (galactosamine (N-acetyl)-6-sulfatase; minus strand). Cytogenetic location: 16q24.3.
Variant type: single nucleotide variant.
Coding change: c.1155C>A on transcript NM_000512.5 (MANE Select); coding-DNA position 1155, C replaced by A.
Protein change: p.Tyr385Ter; replaces tyrosine 385 with a stop codon.
Molecular consequence: nonsense.
Genome position (GRCh38, 1-based): chr16:88,824,854, G>T on the plus strand (C>A on the coding strand, the complement: GALNS is on the minus strand). VCF-style: chr16-88824854-G-T. GRCh37 (hg19) VCF-style: chr16-88891262-G-T.
Other names: c.600C>A, p.Tyr200Ter (NM_001323543.2); c.1173C>A, p.Tyr391Ter (NM_001323544.2); short protein forms Y200*, Y385*, Y391*.
Identifiers: ClinVar variation 1048230 (VCV001048230.6), dbSNP rs1426905479, ClinGen allele CA397097709.
Genomic context (GRCh38, chr16:88,824,854, plus strand): 5'-CCAGGTCCAGAAGTGAGCCTTGTGCTGCCCGAGGGTGGCCGCCATCAGCGTGTCGCCACG[G>T]TAATAGAAGATAGGCCTGTGGGATGGGAGGGGAGGACCATGTAATGACAGGAAGGACACG-3'

ClinVar aggregate classification (germline): Pathogenic/Likely pathogenic. Review status: criteria provided, multiple submitters, no conflicts (2 of 4 stars). 2 submissions from 2 submitters: Pathogenic (1); Likely pathogenic (1). Last evaluated 2024-10-02.

Conditions:
Mucopolysaccharidosis, MPS-IV-A (MPS4A). Also called: Mucopolysaccharidosis type IV A; Mucopolysaccharidosis Type IVA; Morquio syndrome A, mild; MORQUIO SYNDROME A; MPS IVA; mucopolysaccharidosis type 4A. Identifiers: Orphanet 309297, Orphanet 582, MedGen C0086651, MONDO:0009659, OMIM 253000.

gnomAD v4.1: 11 of 1,613,284 alleles (0.00068%); highest among the groups gnomAD compares: Non-Finnish European, 0.00085%; no homozygotes.

Submissions (2):

Labcorp Genetics (formerly Invitae), Labcorp
Classification: Pathogenic for Mucopolysaccharidosis, MPS-IV-A. Last evaluated: 2024-10-02. Review status: criteria provided, single submitter. Criteria: Invitae Variant Classification Sherloc (09022015). Collection method: clinical testing. Allele origin: germline.
Comment: This sequence change creates a premature translational stop signal (p.Tyr385*) in the GALNS gene. It is expected to result in an absent or disrupted protein product. Loss-of-function variants in GALNS are known to be pathogenic (PMID: 12442278). This variant is not present in population databases (gnomAD no frequency). This premature translational stop signal has been observed in individual(s) with Mucopolysaccharidosis IVA (PMID: 24726177). ClinVar contains an entry for this variant (Variation ID: 1048230). For these reasons, this variant has been classified as Pathogenic.

Laboratory of Diagnosis and Therapy of Lysosomal Disorders, University of Padova
Classification: Likely pathogenic for Mucopolysaccharidosis, MPS-IV-A. Last evaluated: 2021-02-01. Review status: criteria provided, single submitter. Criteria: ACMG Guidelines, 2015. Collection method: curation. Allele origin: germline. Affected: yes.
Comment: Nonsense variant (PVS1_very strong); absent from gnomAD v2.1.1 (PM2_moderate)

Literature cited by the submitters: PubMed 12442278 (cited by Labcorp Genetics (formerly Invitae), Labcorp); PubMed 24726177 (cited by Labcorp Genetics (formerly Invitae), Labcorp and Laboratory of Diagnosis and Therapy of Lysosomal Disorders, University of Padova); PubMed 34387910 (cited by Laboratory of Diagnosis and Therapy of Lysosomal Disorders, University of Padova).